The following is an entry in ClinVar:

ClinVar aggregate classification (germline): Uncertain significance (1 of 4 stars; one submission).

gnomAD v4.1: 1 of 1,614,116 alleles (0.000062%); highest among the groups gnomAD compares: Non-Finnish European, 0.000085%; no homozygotes.

Submission:

Women's Health and Genetics/Laboratory Corporation of America, LabCorp
Classification: Uncertain significance. Last evaluated: 2024-04-25. Review status: criteria provided, single submitter. Criteria: LabCorp Variant Classification Summary - May 2015. Collection method: clinical testing. Allele origin: germline.
Comment: Variant summary: TGM1 c.1552G>T (p.Val518Leu) results in a conservative amino acid change in the encoded protein sequence. Four of five in-silico tools predict a benign effect of the variant on protein function. The variant allele was found at a frequency of 4e-06 in 251390 control chromosomes. The available data on variant occurrences in the general population are insufficient to allow any conclusion about variant significance. To our knowledge, no occurrence of c.1552G>T in individuals affected with Lamellar Ichthyosis and no experimental evidence demonstrating its impact on protein function have been reported. No submitters have cited clinical-significance assessments for this variant to ClinVar. Based on the evidence outlined above, the variant was classified as uncertain significance.

NM_000359.3(TGM1):c.1552G>T (p.Val518Leu)

Gene: TGM1 (transglutaminase 1; minus strand). Cytogenetic location: 14q12.
Variant type: single nucleotide variant.
Coding change: c.1552G>T on transcript NM_000359.3 (MANE Select); coding-DNA position 1552, G replaced by T.
Protein change: p.Val518Leu; replaces valine 518 with leucine.
Molecular consequence: missense variant.
Genome position (GRCh38, 1-based): chr14:24,255,457, C>A on the plus strand (G>T on the coding strand, the complement: TGM1 is on the minus strand). VCF-style: chr14-24255457-C-A. GRCh37 (hg19) VCF-style: chr14-24724663-C-A.
Other names: short protein forms V518L.
Identifiers: ClinVar variation 3251697 (VCV003251697.1), dbSNP rs35312232.